The following is an entry in ClinVar:

NM_001195263.2(PDZD7):c.2273G>A (p.Arg758Gln)

Gene: PDZD7 (PDZ domain containing 7; minus strand). Cytogenetic location: 10q24.31.
Variant type: single nucleotide variant.
Coding change: c.2273G>A on transcript NM_001195263.2 (MANE Select); coding-DNA position 2273, G replaced by A.
Protein change: p.Arg758Gln; replaces arginine 758 with glutamine.
Molecular consequence: missense variant.
Genome position (GRCh38, 1-based): chr10:101,010,616, C>T on the plus strand (G>A on the coding strand, the complement: PDZD7 is on the minus strand). VCF-style: chr10-101010616-C-T. GRCh37 (hg19) VCF-style: chr10-102770373-C-T.
Other names: short protein forms R758Q.
Identifiers: ClinVar variation 1444248 (VCV001444248.3), dbSNP rs886340534, ClinGen allele CA212978732.

ClinVar aggregate classification (germline): Uncertain significance (1 of 4 stars; one submission).

Allele frequency attached by ClinVar (database versions not stated): gnomAD exomes 0.00002; gnomAD 0.00003 and 0.00004; TOPMed 0.00003.
gnomAD v4.1: 9 of 1,502,758 alleles (0.0006%); highest among the groups gnomAD compares: African/African-American, 0.0069%; no homozygotes.

Submission:

Labcorp Genetics (formerly Invitae), Labcorp
Classification: Uncertain significance. Last evaluated: 2021-09-24. Review status: criteria provided, single submitter. Criteria: Invitae Variant Classification Sherloc (09022015). Collection method: clinical testing. Allele origin: germline.
Comment: This sequence change replaces arginine with glutamine at codon 758 of the PDZD7 protein (p.Arg758Gln). The arginine residue is weakly conserved and there is a small physicochemical difference between arginine and glutamine. The frequency data for this variant in the population databases is considered unreliable, as metrics indicate insufficient coverage at this position in the ExAC database. This variant has not been reported in the literature in individuals affected with PDZD7-related conditions. Algorithms developed to predict the effect of missense changes on protein structure and function output the following: SIFT: "Tolerated"; PolyPhen-2: "Not Available"; Align-GVGD: "Class C0". The glutamine amino acid residue is found in multiple mammalian species, which suggests that this missense change does not adversely affect protein function. In summary, the available evidence is currently insufficient to determine the role of this variant in disease. Therefore, it has been classified as a Variant of Uncertain Significance.